The following is an entry in ClinVar:

ClinVar aggregate classification (germline): Uncertain significance (1 of 4 stars; one submission).

Conditions:
Lethal multiple pterygium syndrome (LMPS). Identifiers: Orphanet 33108, MedGen C1854678, MONDO:0009668, OMIM 253290.

Submission:

Labcorp Genetics (formerly Invitae), Labcorp
Classification: Uncertain significance for Lethal multiple pterygium syndrome. Last evaluated: 2025-08-18. Review status: criteria provided, single submitter. Criteria: Invitae Variant Classification Sherloc (09022015). Collection method: clinical testing. Allele origin: germline.
Comment: This sequence change replaces isoleucine, which is neutral and non-polar, with threonine, which is neutral and polar, at codon 517 of the CHRND protein (p.Ile517Thr). This variant is not present in population databases (gnomAD no frequency). This variant has not been reported in the literature in individuals affected with CHRND-related conditions. ClinVar contains an entry for this variant (Variation ID: 3634137). Invitae Evidence Modeling of protein sequence and biophysical properties (such as structural, functional, and spatial information, amino acid conservation, physicochemical variation, residue mobility, and thermodynamic stability) has been performed for this missense variant. However, the output from this modeling did not meet the statistical confidence thresholds required to predict the impact of this variant on CHRND protein function. In summary, the available evidence is currently insufficient to determine the role of this variant in disease. Therefore, it has been classified as a Variant of Uncertain Significance.

NM_000751.3(CHRND):c.1550T>C (p.Ile517Thr)

Gene: CHRND (cholinergic receptor nicotinic delta subunit; plus strand). Cytogenetic location: 2q37.1.
Variant type: single nucleotide variant.
Coding change: c.1550T>C on transcript NM_000751.3 (MANE Select); coding-DNA position 1550, T replaced by C.
Protein change: p.Ile517Thr; replaces isoleucine 517 with threonine.
Molecular consequence: missense variant.
Genome position (GRCh38, 1-based): chr2:232,535,308, T>C. VCF-style: chr2-232535308-T-C. GRCh37 (hg19) VCF-style: chr2-233400018-T-C.
Other names: c.1505T>C, p.Ile502Thr (NM_001256657.2); c.968T>C, p.Ile323Thr (NM_001311195.2); c.1247T>C, p.Ile416Thr (NM_001311196.2); short protein forms I416T, I323T, I517T, I502T.
Identifiers: ClinVar variation 3634137 (VCV003634137.2).